The following is an entry in ClinVar:

ClinVar aggregate classification (germline): Uncertain significance (1 of 4 stars; one submission).

Submission:

CeGaT Center for Human Genetics Tuebingen
Classification: Uncertain significance. Last evaluated: 2026-05-01. Review status: criteria provided, single submitter. Criteria: CeGaT Center For Human Genetics Tuebingen Variant Classification Criteria Version 2. Collection method: clinical testing. Allele origin: germline. Affected: yes. Observed: 1 variant allele.
Comment: KCNN2: PM2, PP3

NM_021614.4(KCNN2):c.1829A>C (p.Glu610Ala)

Genes: KCNN2 (potassium calcium-activated channel subfamily N member 2; plus strand), KCNN2-AS1 (KCNN2 antisense RNA 1; minus strand). Cytogenetic location: 5q22.3.
Variant type: single nucleotide variant.
Coding change: c.1829A>C on transcript NM_021614.4 (MANE Select); coding-DNA position 1829, A replaced by C.
Protein change: p.Glu610Ala; replaces glutamic acid 610 with alanine.
Molecular consequence: missense variant. On other transcripts: non-coding transcript variant (2).
Genome position (GRCh38, 1-based): chr5:114,473,103, A>C. VCF-style: chr5-114473103-A-C. GRCh37 (hg19) VCF-style: chr5-113808800-A-C.
Other names: c.2027A>C, p.Glu676Ala (NM_001372233.1); c.149A>C, p.Glu50Ala (NM_170775.3); short protein forms E50A, E610A, E676A.
Identifiers: ClinVar variation 4874992 (VCV004874992.2).